The following is an entry in ClinVar:

NM_000264.5(PTCH1):c.4175A>C (p.Asn1392Thr)

Gene: PTCH1 (patched 1; minus strand). Cytogenetic location: 9q22.32.
Variant type: single nucleotide variant.
Coding change: c.4175A>C on transcript NM_000264.5 (MANE Select); coding-DNA position 4175, A replaced by C.
Protein change: p.Asn1392Thr; replaces asparagine 1392 with threonine.
Molecular consequence: missense variant. On other transcripts: non-coding transcript variant (1).
Genome position (GRCh38, 1-based): chr9:95,447,081, T>G on the plus strand (A>C on the coding strand, the complement: PTCH1 is on the minus strand). VCF-style: chr9-95447081-T-G. GRCh37 (hg19) VCF-style: chr9-98209363-T-G.
Other names: c.3977A>C, p.Asn1326Thr (NM_001083602.3); c.4172A>C, p.Asn1391Thr (NM_001083603.3); c.3722A>C, p.Asn1241Thr (NM_001083604.3, NM_001083605.3, NM_001083606.3 and 1 more transcripts); c.4019A>C, p.Asn1340Thr (NM_001354918.2); short protein forms N1241T, N1326T, N1340T, N1391T, N1392T.
Identifiers: ClinVar variation 2449652 (VCV002449652.2), dbSNP rs2136574190, ClinGen allele CA374110179.
Genomic context (GRCh38, chr9:95,447,081, plus strand): 5'-GGGTCCTCAAACAGGCCGTGGTCAGTCTCAGGGTAGCCTGGGCAGAGTCCCCCTCGGGGG[T>G]TCCGCCCAGGCCCAGGGACAGGCGGCGGGTGCACGGCGACAGTCACGGAGGCAGAAGCCG-3'
Protein context (NP_000255.2, residues 1382-1402): HPPPVPGPGR[Asn1392Thr]PRGGLCPGYP

ClinVar aggregate classification (germline): Uncertain significance (1 of 4 stars; one submission).

Conditions:
Hereditary cancer-predisposing syndrome. Also called: Neoplastic Syndromes, Hereditary; Tumor predisposition; Hereditary neoplastic syndrome; Hereditary Cancer Syndrome. Identifiers: Orphanet 140162, MedGen C0027672, MeSH D009386, MONDO:0015356.

Submission:

Ambry Genetics
Classification: Uncertain significance for Hereditary cancer-predisposing syndrome. Last evaluated: 2022-12-26. Review status: criteria provided, single submitter. Criteria: Ambry Variant Classification Scheme 2023. Collection method: clinical testing. Allele origin: germline.
Comment: The p.N1392T variant (also known as c.4175A>C), located in coding exon 23 of the PTCH1 gene, results from an A to C substitution at nucleotide position 4175. The asparagine at codon 1392 is replaced by threonine, an amino acid with similar properties. This amino acid position is conserved. In addition, this alteration is predicted to be tolerated by in silico analysis. Since supporting evidence is limited at this time, the clinical significance of this alteration remains unclear.